The following is an entry in ClinVar:

NM_002691.4(POLD1):c.1849T>G (p.Cys617Gly)

Gene: POLD1 (DNA polymerase delta 1, catalytic subunit; plus strand). Cytogenetic location: 19q13.33.
Variant type: single nucleotide variant.
Coding change: c.1849T>G on transcript NM_002691.4 (MANE Select); coding-DNA position 1849, T replaced by G.
Protein change: p.Cys617Gly; replaces cysteine 617 with glycine.
Molecular consequence: missense variant. On other transcripts: non-coding transcript variant (1).
Genome position (GRCh38, 1-based): chr19:50,408,858, T>G. VCF-style: chr19-50408858-T-G. GRCh37 (hg19) VCF-style: chr19-50912115-T-G.
Other names: c.1849T>G, p.Cys617Gly (NM_001256849.1); c.1927T>G, p.Cys643Gly (NM_001308632.1); c.1849T>G (NM_002691.2); short protein forms C617G, C643G.
Identifiers: ClinVar variation 1010092 (VCV001010092.9), dbSNP rs2038992310, ClinGen allele CA406982087.
Genomic context (GRCh38, chr19:50,408,858, plus strand): 5'-CCCATCGCCACCCTGGACTTCTCCTCGCTGTACCCGTCCATCATGATGGCCCACAACCTG[T>G]GTTACACCACGCTCCTTCGGCCCGGGACTGCACAGAAACTGGGGTATAGTGCCCAATTCA-3'
Protein context (NP_002682.2, residues 607-627): YPSIMMAHNL[Cys617Gly]YTTLLRPGTA

ClinVar aggregate classification (germline): Uncertain significance. Review status: criteria provided, multiple submitters, no conflicts (2 of 4 stars). 2 submissions from 2 submitters: Uncertain significance (2). Last evaluated 2024-02-22.

Conditions:
Hereditary cancer-predisposing syndrome. Also called: Tumor predisposition; Hereditary Cancer Syndrome; Hereditary neoplastic syndrome; Neoplastic Syndromes, Hereditary. Identifiers: Orphanet 140162, MedGen C0027672, MeSH D009386, MONDO:0015356.
POLD1-related polyposis and colorectal cancer syndrome (CRCS10). Also called: Colorectal cancer 10; COLORECTAL CANCER, SUSCEPTIBILITY TO, ON CHROMOSOME 19q; Colorectal cancer, susceptibility to, 10. Identifiers: Orphanet 220460, MedGen C2675481, MONDO:0012953, OMIM 612591.

Submissions (2):

Ambry Genetics
Classification: Uncertain significance for Hereditary cancer-predisposing syndrome. Last evaluated: 2024-02-22. Review status: criteria provided, single submitter. Criteria: Ambry Variant Classification Scheme 2023. Collection method: clinical testing. Allele origin: germline.
Comment: The p.C617G variant (also known as c.1849T>G), located in coding exon 14 of the POLD1 gene, results from a T to G substitution at nucleotide position 1849. The cysteine at codon 617 is replaced by glycine, an amino acid with highly dissimilar properties. This amino acid position is conserved. In addition, this alteration is predicted to be deleterious by in silico analysis. Based on the available evidence, the clinical significance of this alteration remains unclear.

Labcorp Genetics (formerly Invitae), Labcorp
Classification: Uncertain significance for POLD1-related polyposis and colorectal cancer syndrome. Last evaluated: 2022-09-27. Review status: criteria provided, single submitter. Criteria: Invitae Variant Classification Sherloc (09022015). Collection method: clinical testing. Allele origin: germline.
Comment: This variant is not present in population databases (gnomAD no frequency). This sequence change replaces cysteine, which is neutral and slightly polar, with glycine, which is neutral and non-polar, at codon 617 of the POLD1 protein (p.Cys617Gly). This variant has not been reported in the literature in individuals affected with POLD1-related conditions. In summary, the available evidence is currently insufficient to determine the role of this variant in disease. Therefore, it has been classified as a Variant of Uncertain Significance. Advanced modeling of protein sequence and biophysical properties (such as structural, functional, and spatial information, amino acid conservation, physicochemical variation, residue mobility, and thermodynamic stability) performed at Invitae indicates that this missense variant is expected to disrupt POLD1 protein function. ClinVar contains an entry for this variant (Variation ID: 1010092).